The following is an entry in ClinVar:

NM_005751.5(AKAP9):c.6750A>C (p.Glu2250Asp)

Gene: AKAP9 (A-kinase anchoring protein 9; plus strand). Cytogenetic location: 7q21.2.
Variant type: single nucleotide variant.
Coding change: c.6750A>C on transcript NM_005751.5 (MANE Select); coding-DNA position 6750, A replaced by C.
Protein change: p.Glu2250Asp; replaces glutamic acid 2250 with aspartic acid.
Molecular consequence: missense variant.
Genome position (GRCh38, 1-based): chr7:92,076,992, A>C. VCF-style: chr7-92076992-A-C. GRCh37 (hg19) VCF-style: chr7-91706306-A-C.
Other names: c.1395A>C, p.Glu465Asp (NM_001379277.1); c.6726A>C, p.Glu2242Asp (NM_147185.3); short protein forms E2250D, E2242D, E465D.
Identifiers: ClinVar variation 2564445 (VCV002564445.2), dbSNP rs1812683938, ClinGen allele CA368133477.

ClinVar aggregate classification (germline): Uncertain significance (1 of 4 stars; one submission).

Conditions:
Cardiovascular phenotype. Identifiers: MedGen CN230736.

Allele frequency attached by ClinVar (database versions not stated): TOPMed below 0.00001.

Submission:

Ambry Genetics
Classification: Uncertain significance for Cardiovascular phenotype. Last evaluated: 2023-03-28. Review status: criteria provided, single submitter. Criteria: Ambry Variant Classification Scheme 2023. Collection method: clinical testing. Allele origin: germline.
Comment: The p.E2250D variant (also known as c.6750A>C), located in coding exon 29 of the AKAP9 gene, results from an A to C substitution at nucleotide position 6750. The glutamic acid at codon 2250 is replaced by aspartic acid, an amino acid with highly similar properties. This amino acid position is well conserved in available vertebrate species. In addition, this alteration is predicted to be tolerated by in silico analysis. The evidence for this gene-disease relationship is limited; therefore, the clinical significance of this alteration is unclear.